The following is an entry in ClinVar:

ClinVar aggregate classification (germline): Uncertain significance (1 of 4 stars; one submission).

Conditions:
FLT4-related disorder. Also called: FLT4-related condition.

Submission:

PreventionGenetics, part of Exact Sciences
Classification: Uncertain significance for FLT4-related condition. Last evaluated: 2026-03-06. Review status: criteria provided, single submitter. Criteria: ACMG Guidelines, 2015. Collection method: clinical testing. Allele origin: germline.
Comment: The FLT4 c.1816C>G variant is predicted to result in the amino acid substitution p.Leu606Val. To our knowledge, this variant has not been reported in the literature or in a large population database (gnomAD), indicating this variant is rare. At this time, the clinical significance of this variant is uncertain due to the absence of conclusive functional and genetic evidence.

NM_182925.5(FLT4):c.1816C>G (p.Leu606Val)

Gene: FLT4 (fms related receptor tyrosine kinase 4; minus strand). Cytogenetic location: 5q35.3.
Variant type: single nucleotide variant.
Coding change: c.1816C>G on transcript NM_182925.5 (MANE Select); coding-DNA position 1816, C replaced by G.
Protein change: p.Leu606Val; replaces leucine 606 with valine.
Molecular consequence: missense variant.
Genome position (GRCh38, 1-based): chr5:180,621,746, G>C on the plus strand (C>G on the coding strand, the complement: FLT4 is on the minus strand). VCF-style: chr5-180621746-G-C. GRCh37 (hg19) VCF-style: chr5-180048746-G-C.
Other names: c.1816C>G, p.Leu606Val (NM_001354989.2, NM_002020.5); short protein forms L606V.
Identifiers: ClinVar variation 4988471 (VCV004988471.1).